The following is an entry in ClinVar:

NM_006182.4(DDR2):c.1906A>G (p.Asn636Asp)

Gene: DDR2 (discoidin domain receptor tyrosine kinase 2; plus strand). Cytogenetic location: 1q23.3.
Variant type: single nucleotide variant.
Coding change: c.1906A>G on transcript NM_006182.4 (MANE Select); coding-DNA position 1906, A replaced by G.
Protein change: p.Asn636Asp; replaces asparagine 636 with aspartic acid.
Molecular consequence: missense variant.
Genome position (GRCh38, 1-based): chr1:162,775,701, A>G. VCF-style: chr1-162775701-A-G. GRCh37 (hg19) VCF-style: chr1-162745491-A-G.
Other names: c.1906A>G, p.Asn636Asp (NM_001014796.3, NM_001354982.2, NM_001354983.2); short protein forms N636D.
Identifiers: ClinVar variation 1314756 (VCV001314756.6), dbSNP rs2102195576, ClinGen allele CA343413803.

ClinVar aggregate classification (germline): Uncertain significance. Review status: criteria provided, multiple submitters, no conflicts (2 of 4 stars). 2 submissions from 2 submitters: Uncertain significance (2). Last evaluated 2025-04-16.

Submissions (2):

GeneDx
Classification: Uncertain significance. Last evaluated: 2025-04-16. Review status: criteria provided, single submitter. Criteria: GeneDx Variant Classification Process June 2021. Collection method: clinical testing. Allele origin: germline. Affected: yes.
Comment: Not observed at significant frequency in large population cohorts (gnomAD); In silico analysis supports that this missense variant has a deleterious effect on protein structure/function; Has not been previously published as pathogenic or benign to our knowledge

Labcorp Genetics (formerly Invitae), Labcorp
Classification: Uncertain significance. Last evaluated: 2023-03-24. Review status: criteria provided, single submitter. Criteria: Invitae Variant Classification Sherloc (09022015). Collection method: clinical testing. Allele origin: germline.
Comment: This sequence change replaces asparagine, which is neutral and polar, with aspartic acid, which is acidic and polar, at codon 636 of the DDR2 protein (p.Asn636Asp). This variant is not present in population databases (gnomAD no frequency). This variant has not been reported in the literature in individuals affected with DDR2-related conditions. ClinVar contains an entry for this variant (Variation ID: 1314756). An algorithm developed to predict the effect of missense changes on protein structure and function (PolyPhen-2) suggests that this variant is likely to be disruptive. In summary, the available evidence is currently insufficient to determine the role of this variant in disease. Therefore, it has been classified as a Variant of Uncertain Significance.